The following is an entry in ClinVar:

NM_000719.7(CACNA1C):c.3111C>T (p.Thr1037=)

Gene: CACNA1C (calcium voltage-gated channel subunit alpha1 C; plus strand). Cytogenetic location: 12p13.33.
Variant type: single nucleotide variant.
Coding change: c.3111C>T on transcript NM_000719.7 (MANE Select); coding-DNA position 3111, C replaced by T.
Protein change: p.Thr1037=; no amino-acid change (threonine 1037 retained).
Molecular consequence: synonymous variant.
Genome position (GRCh38, 1-based): chr12:2,605,741, C>T. VCF-style: chr12-2605741-C-T. GRCh37 (hg19) VCF-style: chr12-2714907-C-T.
Other names: c.3171C>T, p.Thr1057= (NM_001129827.2, NM_001129832.2, NM_199460.4); c.3111C>T, p.Thr1037= (NM_001129829.2, NM_001129830.3, NM_001129831.2 and 15 more transcripts); c.3102C>T, p.Thr1034= (NM_001129844.2).
Identifiers: ClinVar variation 380752 (VCV000380752.2), dbSNP rs1057520903, ClinGen allele CA16607243.

ClinVar aggregate classification (germline): Likely benign. Review status: criteria provided, multiple submitters, no conflicts (2 of 4 stars). 2 submissions from 2 submitters: Likely benign (2). Last evaluated 2026-02-01.

Conditions:
Long QT syndrome (LQTS). Identifiers: MedGen C0023976, MeSH D008133, MONDO:0002442. Disease mechanism: loss of function. Inheritance: Various modes of inheritance.

Allele frequency attached by ClinVar (database versions not stated): gnomAD 0.00001.
gnomAD v4.1: 2 of 1,613,948 alleles (0.00012%); highest among the groups gnomAD compares: Non-Finnish European, 0.000085%; no homozygotes.

Submissions (2):

Labcorp Genetics (formerly Invitae), Labcorp
Classification: Likely benign for Long QT syndrome. Last evaluated: 2026-02-01. Review status: criteria provided, single submitter. Criteria: Invitae Variant Classification Sherloc (09022015). Collection method: clinical testing. Allele origin: germline.

GeneDx
Classification: Likely benign. Last evaluated: 2015-10-21. Review status: criteria provided, single submitter. Criteria: GeneDx Variant Classification (06012015). Collection method: clinical testing. Allele origin: germline. Affected: yes.
Comment: This variant is considered likely benign or benign based on one or more of the following criteria: it is a conservative change, it occurs at a poorly conserved position in the protein, it is predicted to be benign by multiple in silico algorithms, and/or has population frequency not consistent with disease.